The following is an entry in ClinVar:

NM_001350451.2(RBFOX3):c.68C>T (p.Ala23Val)

Gene: RBFOX3 (RNA binding fox-1 homolog 3; minus strand). Cytogenetic location: 17q25.3.
Variant type: single nucleotide variant.
Coding change: c.68C>T on transcript NM_001350451.2 (MANE Select); coding-DNA position 68, C replaced by T.
Protein change: p.Ala23Val; replaces alanine 23 with valine.
Molecular consequence: missense variant.
Genome position (GRCh38, 1-based): chr17:79,115,648, G>A on the plus strand (C>T on the coding strand, the complement: RBFOX3 is on the minus strand). VCF-style: chr17-79115648-G-A. GRCh37 (hg19) VCF-style: chr17-77111730-G-A.
Other names: c.68C>T, p.Ala23Val (NM_001082575.3, NM_001350453.2, NM_001385804.1 and 43 more transcripts); short protein forms A23V.
Identifiers: ClinVar variation 238287 (VCV000238287.7), dbSNP rs878854171, ClinGen allele CA10583689.

ClinVar aggregate classification (germline): Uncertain significance (1 of 4 stars; one submission).

Conditions:
Idiopathic generalized epilepsy. Also called: EIG; Generalised epilepsy. Identifiers: MedGen C0270850, MONDO:0005579, OMIM 600669.

Submission:

Labcorp Genetics (formerly Invitae), Labcorp
Classification: Uncertain significance for Idiopathic generalized epilepsy. Last evaluated: 2016-01-31. Review status: criteria provided, single submitter. Criteria: Invitae Variant Classification Sherloc (09022015). Collection method: clinical testing. Allele origin: germline.
Comment: In summary, this is a novel missense change that is not predicted to affect protein function or cause disease. However, the evidence is insufficient at this time to prove that conclusively. It has been classified as a Variant of Uncertain Significance. This sequence change replaces alanine with valine at codon 23 of the RBFOX3 protein (p.Ala23Val). The alanine residue is moderately conserved and there is a small physicochemical difference between alanine and valine. While this variant is not present in population databases (ExAC), the frequency information is unreliable due to low sequence quality at this site. The valine amino acid residue is found in multiple mammalian species, suggesting that this missense change does not adversely affect protein function. In addition, algorithms developed to predict the effect of missense changes on protein structure and function (SIFT, PolyPhen-2, Align-GVGD) all suggest that this variant is likely to be tolerated, but these predictions have not been confirmed by published functional studies.